The following is an entry in ClinVar:

NM_000474.4(TWIST1):c.197del (p.Pro66fs)

Gene: TWIST1 (twist family bHLH transcription factor 1; minus strand). Cytogenetic location: 7p21.1.
Variant type: Deletion.
Coding change: c.197del on transcript NM_000474.4 (MANE Select); coding-DNA position 197, one base deleted (C; older notation c.197delC).
Protein change: p.Pro66fs; shifts the reading frame from proline 66.
Molecular consequence: frameshift variant. On other transcripts: non-coding transcript variant (1).
Genome position (GRCh38, 1-based): chr7:19,117,125, G deleted on the plus strand (C on the coding strand, the reverse complement: TWIST1 is on the minus strand); the first of 2 consecutive G bases (chr7:19,117,125-19,117,126); deleting either gives the same sequence. VCF-style (leftmost placement, unchanged base first): chr7-19117124-CG-C. GRCh37 (hg19) VCF-style: chr7-19156747-CG-C.
Other names: c.197delC (NM_000474.3); short protein forms P66fs.
Identifiers: ClinVar variation 645450 (VCV000645450.6), dbSNP rs1585617611, ClinGen allele CA915944886.

ClinVar aggregate classification (germline): Pathogenic (1 of 4 stars; one submission).

Conditions:
TWIST1-related craniosynostosis (CRS1). Also called: CRANIOSYNOSTOSIS 1. Identifiers: Orphanet 63440, MedGen C4551902, MONDO:0007399, OMIM 123100. Inheritance: Heterogenous inheritance pattern.
Saethre-Chotzen syndrome (SCS). Also called: ACROCEPHALY, SKULL ASYMMETRY, AND MILD SYNDACTYLY; ACS III; CHOTZEN SYNDROME. Identifiers: Orphanet 794, MedGen C0175699, MONDO:0007042, OMIM 101400.

Submission:

Labcorp Genetics (formerly Invitae), Labcorp
Classification: Pathogenic for TWIST1-related craniosynostosis; Saethre-Chotzen syndrome. Last evaluated: 2018-07-23. Review status: criteria provided, single submitter. Criteria: Invitae Variant Classification Sherloc (09022015). Collection method: clinical testing. Allele origin: germline.
Comment: This sequence change creates a premature translational stop signal (p.Pro66Argfs*59) in the TWIST1 gene. It is expected to result in an absent or disrupted protein product. While this variant is not present in population databases, the frequency information is unreliable, as metrics indicate poor data quality at this position in the ExAC database. This variant has not been reported in the literature in individuals with TWIST1-related disease. Loss-of-function variants in TWIST1 are known to be pathogenic (PMID: 10749989). For these reasons, this variant has been classified as Pathogenic.

Literature cited by the submitters: PubMed 10749989.